The following is an entry in ClinVar:

NM_005228.5(EGFR):c.3430C>A (p.Pro1144Thr)

Gene: EGFR (epidermal growth factor receptor; plus strand). Cytogenetic location: 7p11.2.
Variant type: single nucleotide variant.
Coding change: c.3430C>A on transcript NM_005228.5 (MANE Select); coding-DNA position 3430, C replaced by A.
Protein change: p.Pro1144Thr; replaces proline 1144 with threonine.
Molecular consequence: missense variant.
Genome position (GRCh38, 1-based): chr7:55,205,414, C>A. VCF-style: chr7-55205414-C-A. GRCh37 (hg19) VCF-style: chr7-55273107-C-A.
Other names: c.3295C>A, p.Pro1099Thr (NM_001346899.2); c.3271C>A, p.Pro1091Thr (NM_001346900.2); c.2629C>A, p.Pro877Thr (NM_001346941.2); c.3430C>A (NM_005228.3); short protein forms P1091T, P877T, P1099T, P1144T.
Identifiers: ClinVar variation 1390906 (VCV001390906.7), dbSNP rs1788070401, ClinGen allele CA367584599.

ClinVar aggregate classification (germline): Uncertain significance. Review status: criteria provided, multiple submitters, no conflicts (2 of 4 stars). 2 submissions from 2 submitters: Uncertain significance (2). Last evaluated 2025-08-29.

Conditions:
Hereditary cancer-predisposing syndrome. Also called: Neoplastic Syndromes, Hereditary; Tumor predisposition; Hereditary neoplastic syndrome; Hereditary Cancer Syndrome. Identifiers: Orphanet 140162, MedGen C0027672, MeSH D009386, MONDO:0015356.
EGFR-related lung cancer (EGFR). Identifiers: MedGen CN130014.

Allele frequency attached by ClinVar (database versions not stated): gnomAD exomes below 0.00001; TOPMed below 0.00001.
gnomAD v4.1: 1 of 1,614,132 alleles (0.000062%); highest among the groups gnomAD compares: South Asian, 0.0011%; no homozygotes.

Submissions (2):

Labcorp Genetics (formerly Invitae), Labcorp
Classification: Uncertain significance for EGFR-related lung cancer. Last evaluated: 2025-08-29. Review status: criteria provided, single submitter. Criteria: Invitae Variant Classification Sherloc (09022015). Collection method: clinical testing. Allele origin: germline.
Comment: This sequence change replaces proline, which is neutral and non-polar, with threonine, which is neutral and polar, at codon 1144 of the EGFR protein (p.Pro1144Thr). This variant is not present in population databases (gnomAD no frequency). This variant has not been reported in the literature in individuals affected with EGFR-related conditions. ClinVar contains an entry for this variant (Variation ID: 1390906). An algorithm developed to predict the effect of missense changes on protein structure and function (PolyPhen-2) suggests that this variant is likely to be tolerated. In summary, the available evidence is currently insufficient to determine the role of this variant in disease. Therefore, it has been classified as a Variant of Uncertain Significance.

Ambry Genetics
Classification: Uncertain significance for Hereditary cancer-predisposing syndrome. Last evaluated: 2025-05-31. Review status: criteria provided, single submitter. Criteria: Ambry Variant Classification Scheme 2023. Collection method: clinical testing. Allele origin: germline.
Comment: The p.P1144T variant (also known as c.3430C>A), located in coding exon 28 of the EGFR gene, results from a C to A substitution at nucleotide position 3430. The proline at codon 1144 is replaced by threonine, an amino acid with highly similar properties. This amino acid position is conserved. In addition, this alteration is predicted to be tolerated by in silico analysis. Based on the available evidence, the clinical significance of this variant remains unclear.